The following is an entry in ClinVar:

ClinVar aggregate classification (germline): Pathogenic/Likely pathogenic. Review status: criteria provided, multiple submitters, no conflicts (2 of 4 stars). 7 submissions from 7 submitters: Pathogenic (4); Likely pathogenic (1). 2 of the submissions do not count toward it. Last evaluated 2026-01-08.

Conditions:
SDR9C7-related disorder. Also called: SDR9C7-related condition.
Lamellar ichthyosis. Identifiers: Orphanet 313, MedGen C5848247, MONDO:0017778.
Ichthyosis, congenital, autosomal recessive 13. Identifiers: MedGen C4539772, MONDO:0033092, OMIM 617574.

Allele frequency attached by ClinVar (database versions not stated): ExAC 0.00001; gnomAD exomes 0.00002 and 0.00005; gnomAD 0.00003; TOPMed 0.00003.
gnomAD v4.1: 79 of 1,612,366 alleles (0.0049%); highest among the groups gnomAD compares: Non-Finnish European, 0.0062%; no homozygotes.

Submissions (7):

Labcorp Genetics (formerly Invitae), Labcorp
Classification: Pathogenic. Last evaluated: 2026-01-08. Review status: criteria provided, single submitter. Criteria: Invitae Variant Classification Sherloc (09022015). Collection method: clinical testing. Allele origin: germline.
Comment: This sequence change replaces isoleucine, which is neutral and non-polar, with threonine, which is neutral and polar, at codon 200 of the SDR9C7 protein (p.Ile200Thr). This variant is present in population databases (rs770729222, gnomAD 0.007%). This missense change has been observed in individual(s) with autosomal recessive congenital ichthyosis (PMID: 28173123, 31012992). It has also been observed to segregate with disease in related individuals. ClinVar contains an entry for this variant (Variation ID: 430711). Invitae Evidence Modeling of protein sequence and biophysical properties (such as structural, functional, and spatial information, amino acid conservation, physicochemical variation, residue mobility, and thermodynamic stability) indicates that this missense variant is expected to disrupt SDR9C7 protein function with a positive predictive value of 80%. For these reasons, this variant has been classified as Pathogenic.

Women's Health and Genetics/Laboratory Corporation of America, LabCorp
Classification: Pathogenic for Lamellar ichthyosis. Last evaluated: 2024-09-16. Review status: criteria provided, single submitter. Criteria: LabCorp Variant Classification Summary - May 2015. Collection method: clinical testing. Allele origin: germline.
Comment: Variant summary: SDR9C7 c.599T>C (p.Ile200Thr) results in a non-conservative amino acid change in the encoded protein sequence. Four of five in-silico tools predict a damaging effect of the variant on protein function. The variant allele was found at a frequency of 1.6e-05 in 251232 control chromosomes. c.599T>C has been reported in the literature in multiple homozygous or compound heterozygous individuals affected with Lamellar Ichthyosis (Shigehara_2016, Seidl-Philipp_2019). These data indicate that the variant is very likely to be associated with disease. One publication reports experimental evidence evaluating an impact on protein function, however, does not allow convincing conclusions about the variant effect (Shigehara_2016). The following publications have been ascertained in the context of this evaluation (PMID: 31012992, 28173123). ClinVar contains an entry for this variant (Variation ID: 430711). Based on the evidence outlined above, the variant was classified as pathogenic.

GeneDx
Classification: Pathogenic. Last evaluated: 2024-02-23. Review status: criteria provided, single submitter. Criteria: GeneDx Variant Classification Process June 2021. Collection method: clinical testing. Allele origin: germline. Affected: yes.
Comment: Segregates with disease in many affected individuals from multiple families in the published literature (PMID: 28173123, 31012992); Published functional studies demonstrate significantly reduced protein expression in vitro (PMID: 28173123); In silico analysis supports that this missense variant has a deleterious effect on protein structure/function; This variant is associated with the following publications: (PMID: 27538420, 31012992, 28173123)

PreventionGenetics, part of Exact Sciences
Classification: Likely pathogenic for SDR9C7-related condition. Last evaluated: 2022-09-02. Review status: criteria provided, single submitter. Criteria: ACMG Guidelines, 2015. Collection method: clinical testing. Allele origin: germline.
Comment: The SDR9C7 c.599T>C variant is predicted to result in the amino acid substitution p.Ile200Thr. This variant was reported in the homozygous multiple related individuals with ichthyosis and was found to segregate with disease (Shigehara et al. 2016. PubMed ID: 28173123). In addition, the p.Ile200Thr change was found to be associated with reduced SDR9C7 protein expression in the cornified layer of the epidermis (Shigehara et al. 2016. PubMed ID: 28173123). This variant is reported in 0.0062% of alleles in individuals of African descent in gnomAD. This variant is interpreted as likely pathogenic.

Institute of Human Genetics Munich, TUM University Hospital
Classification: Pathogenic for Ichthyosis, congenital, autosomal recessive 13. Last evaluated: 2020-01-16. Review status: criteria provided, single submitter. Criteria: Classification criteria August 2017. Collection method: clinical testing. Allele origin: germline. Inheritance: Autosomal recessive inheritance. Affected: yes. Observed: 1 compound heterozygote.

OMIM
Classification: Pathogenic for ICHTHYOSIS, CONGENITAL, AUTOSOMAL RECESSIVE 13. Last evaluated: 2017-07-14. Review status: no assertion criteria provided. Collection method: literature only. Allele origin: germline. Not counted in ClinVar's aggregate classification.

Department of Pathology and Laboratory Medicine, Sinai Health System
Classification: Uncertain significance for Ichthyosis, congenital, autosomal recessive 13. Last evaluated: 2023-05-29. Review status: flagged submission. Criteria: ACMG Guidelines, 2015. Collection method: research. Allele origin: germline. Not counted in ClinVar's aggregate classification.
ClinVar note: Reason: Outlier claim with insufficient supporting evidence

Literature cited by the submitters: PubMed 28173123 (cited by 3 submitters); PubMed 31012992 (cited by Labcorp Genetics (formerly Invitae), Labcorp and Women's Health and Genetics/Laboratory Corporation of America, LabCorp).

NM_148897.3(SDR9C7):c.599T>C (p.Ile200Thr)

Gene: SDR9C7 (short chain dehydrogenase/reductase family 9C member 7; minus strand). Cytogenetic location: 12q13.3.
Variant type: single nucleotide variant.
Coding change: c.599T>C on transcript NM_148897.3 (MANE Select); coding-DNA position 599, T replaced by C.
Protein change: p.Ile200Thr; replaces isoleucine 200 with threonine.
Molecular consequence: missense variant.
Genome position (GRCh38, 1-based): chr12:56,929,515, A>G on the plus strand (T>C on the coding strand, the complement: SDR9C7 is on the minus strand). VCF-style: chr12-56929515-A-G. GRCh37 (hg19) VCF-style: chr12-57323299-A-G.
Other names: short protein forms I200T.
Identifiers: ClinVar variation 430711 (VCV000430711.12), dbSNP rs770729222, ClinGen allele CA6638108.